The following is an entry in ClinVar:

NM_000388.4(CASR):c.820C>A (p.Pro274Thr)

Gene: CASR (calcium sensing receptor; plus strand). Cytogenetic location: 3q21.1.
Variant type: single nucleotide variant.
Coding change: c.820C>A on transcript NM_000388.4 (MANE Select); coding-DNA position 820, C replaced by A.
Protein change: p.Pro274Thr; replaces proline 274 with threonine.
Molecular consequence: missense variant.
Genome position (GRCh38, 1-based): chr3:122,261,855, C>A. VCF-style: chr3-122261855-C-A. GRCh37 (hg19) VCF-style: chr3-121980702-C-A.
Other names: c.820C>A, p.Pro274Thr (NM_001178065.2); short protein forms P274T.
Identifiers: ClinVar variation 3231590 (VCV003231590.1), dbSNP rs2074627999, ClinGen allele CA354151427.
Genomic context (GRCh38, chr3:122,261,855, plus strand): 5'-CATGTGGTAGAGGTGATTCAAAATTCCACGGCCAAAGTCATCGTGGTTTTCTCCAGTGGC[C>A]CAGATCTTGAGCCCCTCATCAAGGAGATTGTCCGGCGCAATATCACGGGCAAGATCTGGC-3'
Protein context (NP_000379.3, residues 264-284): AKVIVVFSSG[Pro274Thr]DLEPLIKEIV

ClinVar aggregate classification (germline): Uncertain significance (1 of 4 stars; one submission).

Conditions:
Nephrolithiasis/nephrocalcinosis. Identifiers: MedGen CN580796.

Submission:

Ambry Genetics
Classification: Uncertain significance for Nephrolithiasis/nephrocalcinosis. Last evaluated: 2023-12-05. Review status: criteria provided, single submitter. Criteria: Ambry Variant Classification Scheme 2023. Collection method: clinical testing. Allele origin: germline.
Comment: The p.P274T variant (also known as c.820C>A), located in coding exon 3 of the CASR gene, results from a C to A substitution at nucleotide position 820. The proline at codon 274 is replaced by threonine, an amino acid with highly similar properties. This amino acid position is conserved. In addition, this alteration is predicted to be deleterious by in silico analysis. Since supporting evidence is limited at this time, the clinical significance of this alteration remains unclear.